The following is an entry in ClinVar:

ClinVar aggregate classification (germline): Uncertain significance (1 of 4 stars; one submission).

Allele frequency attached by ClinVar (database versions not stated): gnomAD exomes below 0.00001.
gnomAD v4.1: 2 of 1,595,902 alleles (0.00013%); highest among the groups gnomAD compares: Non-Finnish European, 0.00017%; no homozygotes.

Submission:

GeneDx
Classification: Uncertain significance. Last evaluated: 2022-02-25. Review status: criteria provided, single submitter. Criteria: GeneDx Variant Classification Process June 2021. Collection method: clinical testing. Allele origin: germline. Affected: yes.
Comment: Not observed at significant frequency in large population cohorts (gnomAD); In silico analysis supports that this missense variant has a deleterious effect on protein structure/function; Has not been previously published as pathogenic or benign to our knowledge

NM_017827.4(SARS2):c.950A>G (p.Asp317Gly)

Gene: SARS2 (seryl-tRNA synthetase 2, mitochondrial; minus strand). Cytogenetic location: 19q13.2.
Variant type: single nucleotide variant.
Coding change: c.950A>G on transcript NM_017827.4 (MANE Select); coding-DNA position 950, A replaced by G.
Protein change: p.Asp317Gly; replaces aspartic acid 317 with glycine.
Molecular consequence: missense variant.
Genome position (GRCh38, 1-based): chr19:38,918,106, T>C on the plus strand (A>G on the coding strand, the complement: SARS2 is on the minus strand). VCF-style: chr19-38918106-T-C. GRCh37 (hg19) VCF-style: chr19-39408746-T-C.
Other names: c.956A>G, p.Asp319Gly (NM_001145901.2); short protein forms D317G, D319G.
Identifiers: ClinVar variation 1703264 (VCV001703264.2), dbSNP rs776041054, ClinGen allele CA405736510.